The following is an entry in ClinVar:

ClinVar aggregate classification (germline): Uncertain significance. Review status: criteria provided, multiple submitters, no conflicts (2 of 4 stars). 2 submissions from 2 submitters: Uncertain significance (2). Last evaluated 2024-11-03.

gnomAD v4.1: 3 of 1,614,044 alleles (0.00019%); highest among the groups gnomAD compares: Non-Finnish European, 0.00025%; no homozygotes.

Submissions (2):

GeneDx
Classification: Uncertain significance. Last evaluated: 2024-11-03. Review status: criteria provided, single submitter. Criteria: GeneDx Variant Classification Process June 2021. Collection method: clinical testing. Allele origin: germline. Affected: yes.
Comment: Not observed at significant frequency in large population cohorts (gnomAD); Nonsense variant predicted to result in protein truncation or nonsense mediated decay in a gene or region of a gene for which loss of function is not a well-established mechanism of disease; Has not been previously published as pathogenic or benign to our knowledge

Labcorp Genetics (formerly Invitae), Labcorp
Classification: Uncertain significance. Last evaluated: 2024-06-30. Review status: criteria provided, single submitter. Criteria: Invitae Variant Classification Sherloc (09022015). Collection method: clinical testing. Allele origin: germline.
Comment: This sequence change creates a premature translational stop signal (p.Ser612*) in the LIG1 gene. It is expected to result in an absent or disrupted protein product. However, the current clinical and genetic evidence is not sufficient to establish whether loss-of-function variants in LIG1 cause disease. This variant is present in population databases (rs780324684, gnomAD 0.0009%). This variant has not been reported in the literature in individuals affected with LIG1-related conditions. Algorithms developed to predict the effect of sequence changes on RNA splicing suggest that this variant may create or strengthen a splice site. In summary, the available evidence is currently insufficient to determine the role of this variant in disease. Therefore, it has been classified as a Variant of Uncertain Significance.

NM_000234.3(LIG1):c.1835C>A (p.Ser612Ter)

Gene: LIG1 (DNA ligase 1; minus strand). Cytogenetic location: 19q13.33.
Variant type: single nucleotide variant.
Coding change: c.1835C>A on transcript NM_000234.3 (MANE Select); coding-DNA position 1835, C replaced by A.
Protein change: p.Ser612Ter; replaces serine 612 with a stop codon.
Molecular consequence: nonsense. On other transcripts: non-coding transcript variant (6).
Genome position (GRCh38, 1-based): chr19:48,128,007, G>T on the plus strand (C>A on the coding strand, the complement: LIG1 is on the minus strand). VCF-style: chr19-48128007-G-T. GRCh37 (hg19) VCF-style: chr19-48631264-G-T.
Other names: c.1742C>A, p.Ser581Ter (NM_001289063.2); c.1631C>A, p.Ser544Ter (NM_001289064.2); c.1832C>A, p.Ser611Ter (NM_001320970.2); c.1745C>A, p.Ser582Ter (NM_001320971.2); short protein forms S544*, S581*, S582*, S611*, S612*.
Identifiers: ClinVar variation 2801221 (VCV002801221.4), dbSNP rs780324684, ClinGen allele CA9546663.
Genomic context (GRCh38, chr19:48,128,007, plus strand): 5'-ATCTGCTTCTTTTCCCGGTCCCAAGCCACGGCTTCGGTGTCCAGGATGAAGGATGTGACC[G>T]ATGGGAGTTTAATCTGAAAAGTGAAGGGAGAGACCCAGGGCCTGAGAGAGGTGGAAGATG-3'